The following is an entry in ClinVar:

NM_004260.4(RECQL4):c.880G>A (p.Val294Ile)

Gene: RECQL4 (RecQ like helicase 4; minus strand). Cytogenetic location: 8q24.3.
Variant type: single nucleotide variant.
Coding change: c.880G>A on transcript NM_004260.4 (MANE Select); coding-DNA position 880, G replaced by A.
Protein change: p.Val294Ile; replaces valine 294 with isoleucine.
Molecular consequence: missense variant.
Genome position (GRCh38, 1-based): chr8:144,516,239, C>T on the plus strand (G>A on the coding strand, the complement: RECQL4 is on the minus strand). VCF-style: chr8-144516239-C-T. GRCh37 (hg19) VCF-style: chr8-145741623-C-T.
Other names: c.880G>A (NM_004260.3); short protein forms V294I.
Identifiers: ClinVar variation 1023872 (VCV001023872.5), dbSNP rs753691518, ClinGen allele CA4949158.

ClinVar aggregate classification (germline): Uncertain significance. Review status: criteria provided, multiple submitters, no conflicts (2 of 4 stars). 3 submissions from 3 submitters: Uncertain significance (3). Last evaluated 2026-02-20.

Conditions:
Rothmund-Thomson syndrome type 2 (RTS2). Identifiers: Orphanet 221016, MedGen C5203410, MONDO:0016369, OMIM 268400.
Baller-Gerold syndrome (BGS). Also called: CRANIOSYNOSTOSIS WITH RADIAL DEFECTS. Identifiers: Orphanet 1225, MedGen C0265308, MONDO:0009039, OMIM 218600.
Inborn genetic diseases. Identifiers: MedGen C0950123, MeSH D030342.

Allele frequency attached by ClinVar (database versions not stated): gnomAD exomes below 0.00001; ExAC 0.00001.
gnomAD v4.1: 3 of 1,612,980 alleles (0.00019%); highest among the groups gnomAD compares: South Asian, 0.0022%; no homozygotes.

Submissions (3):

St. Jude Molecular Pathology, St. Jude Children's Research Hospital
Classification: Uncertain significance for Rothmund-Thomson syndrome type 2. Last evaluated: 2026-02-20. Review status: criteria provided, single submitter. Criteria: St. Jude Assertion Criteria 2020. Collection method: clinical testing. Allele origin: germline.
Comment: The RECQL4 c.880G>A p.(Val294Ile) missense change has a maximum subpopulation freque ncy of 0.003% in gnomAD v2.1.1. In silico tools predict a benign effect of this variant on protein function, but to our knowledge this prediction has not been confirmed by functional studies. To our knowledge, this var iant has not been reported in individuals with RECQL4-associated conditions. In summary, the evidence currently available is insufficient to determine the clinical significance of this variant. It has therefore been classified as of uncertain significance.

Labcorp Genetics (formerly Invitae), Labcorp
Classification: Uncertain significance for Baller-Gerold syndrome. Last evaluated: 2025-07-31. Review status: criteria provided, single submitter. Criteria: Invitae Variant Classification Sherloc (09022015). Collection method: clinical testing. Allele origin: germline.
Comment: This sequence change replaces valine, which is neutral and non-polar, with isoleucine, which is neutral and non-polar, at codon 294 of the RECQL4 protein (p.Val294Ile). This variant is present in population databases (rs753691518, gnomAD 0.003%). This variant has not been reported in the literature in individuals affected with RECQL4-related conditions. ClinVar contains an entry for this variant (Variation ID: 1023872). Experimental studies and prediction algorithms are not available or were not evaluated, and the functional significance of this variant is currently unknown. In summary, the available evidence is currently insufficient to determine the role of this variant in disease. Therefore, it has been classified as a Variant of Uncertain Significance.

Ambry Genetics
Classification: Uncertain significance for Inborn genetic diseases. Last evaluated: 2025-05-07. Review status: criteria provided, single submitter. Criteria: Ambry Variant Classification Scheme 2023. Collection method: clinical testing. Allele origin: germline.
Comment: The p.V294I variant (also known as c.880G>A), located in coding exon 5 of the RECQL4 gene, results from a G to A substitution at nucleotide position 880. The valine at codon 294 is replaced by isoleucine, an amino acid with highly similar properties. This amino acid position is conserved. In addition, this alteration is predicted to be tolerated by in silico analysis. Based on the available evidence, the clinical significance of this variant remains unclear.